The following is an entry in ClinVar:

ClinVar aggregate classification (germline): Conflicting classifications of pathogenicity. Review status: criteria provided, conflicting classifications (1 of 4 stars). 5 submissions from 5 submitters: Uncertain significance (1); Likely benign (4). Last evaluated 2026-09-21.

Conditions:
ANK2-related disorder. Also called: ANK2-related condition.
Cardiovascular phenotype. Identifiers: MedGen CN230736.
Long QT syndrome (LQTS). Identifiers: MedGen C0023976, MeSH D008133, MONDO:0002442. Disease mechanism: loss of function. Inheritance: Various modes of inheritance.

Allele frequency attached by ClinVar (database versions not stated): 1000 Genomes Project 0.00020; gnomAD 0.00062 and 0.00072; ExAC 0.00013; gnomAD exomes 0.00014; ESP Exome Variant Server 0.00069; 1000 Genomes Project 30x 0.00016; TOPMed 0.00056.
gnomAD v4.1: 176 of 1,613,232 alleles (0.011%); highest among the groups gnomAD compares: African/African-American, 0.2%; no homozygotes.

Submissions (5):

Molecular Diagnostic Laboratory for Inherited Cardiovascular Disease, Montreal Heart Institute
Classification: Likely benign. Last evaluated: 2026-09-21. Review status: criteria provided, single submitter. Criteria: ACMG Guidelines, 2015. Collection method: clinical testing. Allele origin: germline. Affected: no.
Comment: BS1;BP4

Labcorp Genetics (formerly Invitae), Labcorp
Classification: Likely benign for Long QT syndrome. Last evaluated: 2026-01-25. Review status: criteria provided, single submitter. Criteria: Invitae Variant Classification Sherloc (09022015). Collection method: clinical testing. Allele origin: germline.

PreventionGenetics, part of Exact Sciences
Classification: Likely benign for ANK2-related condition. Last evaluated: 2025-09-12. Review status: criteria provided, single submitter. Criteria: ACMG Guidelines, 2015. Collection method: clinical testing. Allele origin: germline.
Comment: This variant is classified as likely benign based on ACMG/AMP sequence variant interpretation guidelines (Richards et al. 2015 PMID: 25741868, with internal and published modifications).

Ambry Genetics
Classification: Likely benign for Cardiovascular phenotype. Last evaluated: 2018-11-07. Review status: criteria provided, single submitter. Criteria: Ambry Variant Classification Scheme 2023. Collection method: clinical testing. Allele origin: germline.

GeneDx
Classification: Uncertain significance. Last evaluated: 2017-10-04. Review status: criteria provided, single submitter. Criteria: GeneDx Variant Classification (06012015). Collection method: clinical testing. Allele origin: germline. Affected: yes.
Comment: A variant of uncertain significance has been identified in the ANK2 gene. The c.669+3 A>G variant has not been published as pathogenic or reported as a benign to our knowledge. This variant was observed in 48/24030 (0.2%) alleles from individuals of African background in large population cohorts (Lek et al., 2016). The c.669+3 A>G variant has been seen both independently, and in conjunction with additional cardiogenetic variants, in other individuals referred for arrhythmia genetic testing at GeneDx, although no informative segregation data are available. Moreover, no other splice site variants in the ANK2 gene have been reported in the Human Gene Mutation Database in association with LQTS (Stenson et al., 2014). Nevertheless, the c.669+3 A>G variant is predicted to destroy or significantly reduce the natural splice donor site in intron 6 and may cause abnormal gene splicing; however, in the absence of functional mRNA studies, the physiological consequence of this variant cannot be precisely determined.

NM_001148.6(ANK2):c.669+3A>G

Gene: ANK2 (ankyrin 2; plus strand). Cytogenetic location: 4q26.
Variant type: single nucleotide variant.
Coding change: c.669+3A>G on transcript NM_001148.6 (MANE Select); 3 bases into the intron after coding-DNA position 669, A replaced by G.
Molecular consequence: intron variant.
Genome position (GRCh38, 1-based): chr4:113,237,175, A>G. VCF-style: chr4-113237175-A-G. GRCh37 (hg19) VCF-style: chr4-114158331-A-G.
Other names: c.657+3A>G (NM_001386186.2, NM_001386148.2, NM_001354269.3 and 1 more transcripts); c.651+3A>G (NM_001386147.1, NM_001386160.1, NM_001354261.2); c.606+3A>G (NM_001354254.2, NM_001354239.2, NM_001354252.2 and 33 more transcripts); c.714+3A>G (NM_001354241.2, NM_001386152.1, NM_001354237.2 and 5 more transcripts); c.669+3A>G (NM_001354225.2, NM_001354235.2, NM_001354246.2 and 10 more transcripts); c.720+3A>G (NM_001386174.1, NM_001386175.1).
Identifiers: ClinVar variation 190519 (VCV000190519.18), dbSNP rs370475820, ClinGen allele CA300681.